The following is an entry in ClinVar:

ClinVar aggregate classification (germline): Pathogenic (1 of 4 stars; one submission).

Conditions:
Multiple congenital exostosis (EXT). Also called: Multiple osteochondromas; MULTIPLE CARTILAGINOUS EXOSTOSES; Hereditary multiple exostoses; Hereditary multiple exostosis; Hereditary multiple osteochondromas; Multiple exostoses. Identifiers: Orphanet 321, MedGen C0015306, MONDO:0005508, HP:0002762.

Submission:

Labcorp Genetics (formerly Invitae), Labcorp
Classification: Pathogenic for Multiple congenital exostosis. Last evaluated: 2021-06-14. Review status: criteria provided, single submitter. Criteria: Invitae Variant Classification Sherloc (09022015). Collection method: clinical testing. Allele origin: germline.
Comment: For these reasons, this variant has been classified as Pathogenic. Algorithms developed to predict the effect of sequence changes on RNA splicing suggest that this variant may disrupt the consensus splice site, but this prediction has not been confirmed by published transcriptional studies. This variant has been observed in individual(s) with multiple osteochondromas (PMID: 31096510). This variant is not present in population databases (ExAC no frequency). This sequence change affects an acceptor splice site in intron 2 of the EXT1 gene. It is expected to disrupt RNA splicing. Variants that disrupt the donor or acceptor splice site typically lead to a loss of protein function (PMID: 16199547), and loss-of-function variants in EXT1 are known to be pathogenic (PMID: 10679937, 11391482, 19810120).

Literature cited by the submitters: PubMed 31096510; PubMed 16199547; PubMed 10679937; PubMed 11391482; PubMed 19810120.

NM_000127.3(EXT1):c.1057-2A>T

Gene: EXT1 (exostosin glycosyltransferase 1; minus strand). Cytogenetic location: 8q24.11.
Variant type: single nucleotide variant.
Coding change: c.1057-2A>T on transcript NM_000127.3 (MANE Select); the canonical splice acceptor site of the intron before coding-DNA position 1057, A replaced by T.
Molecular consequence: splice acceptor variant.
Genome position (GRCh38, 1-based): chr8:117,835,553, T>A on the plus strand (A>T on the coding strand, the complement: EXT1 is on the minus strand). VCF-style: chr8-117835553-T-A. GRCh37 (hg19) VCF-style: chr8-118847792-T-A.
Identifiers: ClinVar variation 1457777 (VCV001457777.9), dbSNP rs1587003662, ClinGen allele CA371892847.